The following is an entry in ClinVar:

ClinVar aggregate classification (germline): Uncertain significance (1 of 4 stars; one submission).

Allele frequency attached by ClinVar (database versions not stated): ExAC 0.00001; TOPMed 0.00002; ESP Exome Variant Server 0.00015.
gnomAD v4.1: 15 of 1,612,586 alleles (0.00093%); highest among the groups gnomAD compares: Admixed American, 0.0033%; no homozygotes.

Submission:

Labcorp Genetics (formerly Invitae), Labcorp
Classification: Uncertain significance. Last evaluated: 2024-10-28. Review status: criteria provided, single submitter. Criteria: Invitae Variant Classification Sherloc (09022015). Collection method: clinical testing. Allele origin: germline.
Comment: This sequence change replaces isoleucine, which is neutral and non-polar, with valine, which is neutral and non-polar, at codon 221 of the FBLN1 protein (p.Ile221Val). This variant is present in population databases (rs146491057, gnomAD 0.003%). This variant has not been reported in the literature in individuals affected with FBLN1-related conditions. An algorithm developed to predict the effect of missense changes on protein structure and function outputs the following: PolyPhen-2: "Benign". The valine amino acid residue is found in multiple mammalian species, which suggests that this missense change does not adversely affect protein function. In summary, the available evidence is currently insufficient to determine the role of this variant in disease. Therefore, it has been classified as a Variant of Uncertain Significance.

NM_006486.3(FBLN1):c.661A>G (p.Ile221Val)

Gene: FBLN1 (fibulin 1; plus strand). Cytogenetic location: 22q13.31.
Variant type: single nucleotide variant.
Coding change: c.661A>G on transcript NM_006486.3 (MANE Select); coding-DNA position 661, A replaced by G.
Protein change: p.Ile221Val; replaces isoleucine 221 with valine.
Molecular consequence: missense variant.
Genome position (GRCh38, 1-based): chr22:45,533,775, A>G. VCF-style: chr22-45533775-A-G. GRCh37 (hg19) VCF-style: chr22-45929655-A-G.
Other names: c.661A>G, p.Ile221Val (NM_001996.4, NM_006485.4, NM_006487.3); short protein forms I221V.
Identifiers: ClinVar variation 2959260 (VCV002959260.3), dbSNP rs146491057, ClinGen allele CA10286674.